The following is an entry in ClinVar:

ClinVar aggregate classification (germline): Pathogenic/Likely pathogenic. Review status: criteria provided, multiple submitters, no conflicts (2 of 4 stars). 2 submissions from 2 submitters: Pathogenic (1); Likely pathogenic (1). Last evaluated 2023-09-12.

Conditions:
Meckel syndrome, type 6. Identifiers: Orphanet 564, MedGen C2676790, MONDO:0012848, OMIM 612284.
COACH syndrome 2. Identifiers: MedGen C5436837, MONDO:0030859, OMIM 619111.
Joubert syndrome 9 (JBTS9). Identifiers: Orphanet 2318, MedGen C2676788, MONDO:0012849, OMIM 612285.
Retinitis pigmentosa 93. Identifiers: MedGen C5676970, MONDO:0030797, OMIM 619845.
Joubert syndrome. Also called: JOUBERT-BOLTSHAUSER SYNDROME; Familial aplasia of the vermis. Identifiers: Orphanet 475, MedGen C5979921, MONDO:0018772.
Meckel-Gruber syndrome. Also called: DYSENCEPHALIA SPLANCHNOCYSTICA; GRUBER SYNDROME; Dysencephalia splachnocystica. Identifiers: Orphanet 564, MedGen C0265215, MONDO:0018921.

Submissions (2):

Department of Pathology and Laboratory Medicine, Sinai Health System
Classification: Likely pathogenic for Meckel syndrome, type 6; Joubert syndrome 9; COACH syndrome 2; Retinitis pigmentosa 93. Last evaluated: 2023-09-12. Review status: criteria provided, single submitter. Criteria: ACMG Guidelines, 2015. Collection method: research. Allele origin: germline.

Labcorp Genetics (formerly Invitae), Labcorp
Classification: Pathogenic for Joubert syndrome; Meckel-Gruber syndrome. Last evaluated: 2023-03-03. Review status: criteria provided, single submitter. Criteria: Invitae Variant Classification Sherloc (09022015). Collection method: clinical testing. Allele origin: germline.
Comment: For these reasons, this variant has been classified as Pathogenic. This variant has not been reported in the literature in individuals affected with CC2D2A-related conditions. The frequency data for this variant in the population databases is considered unreliable, as metrics indicate poor data quality at this position in the gnomAD database. This sequence change creates a premature translational stop signal (p.Ile1508Asnfs*14) in the CC2D2A gene. It is expected to result in an absent or disrupted protein product. Loss-of-function variants in CC2D2A are known to be pathogenic (PMID: 19777577).

Literature cited by the submitters: PubMed 19777577 (cited by Labcorp Genetics (formerly Invitae), Labcorp).

NM_001378615.1(CC2D2A):c.4522dup (p.Ile1508fs)

Genes: CC2D2A (coiled-coil and C2 domain containing 2A; plus strand), FBXL5 (F-box and leucine rich repeat protein 5; minus strand). Cytogenetic location: 4p15.32.
Variant type: Duplication.
Coding change: c.4522dup on transcript NM_001378615.1 (MANE Select); coding-DNA position 4522, one base duplicated (A; older notation c.4522dupA).
Protein change: p.Ile1508fs; shifts the reading frame from isoleucine 1508.
Molecular consequence: frameshift variant.
Genome position (GRCh38, 1-based): chr4:15,599,554, A duplicated; the last of 6 consecutive A bases (chr4:15,599,549-15,599,554); duplicating any one gives the same sequence. VCF-style (leftmost placement, unchanged base first): chr4-15599548-G-GA. GRCh37 (hg19) VCF-style: chr4-15601171-G-GA.
Other names: c.4522dup, p.Ile1508fs (NM_001080522.2); c.4375dup, p.Ile1459fs (NM_001378617.1); short protein forms I1459fs, I1508fs.
Identifiers: ClinVar variation 2936760 (VCV002936760.4), dbSNP rs775292940, ClinGen allele CA2864404.
Genomic context (GRCh38, chr4:15,599,548, plus strand): 5'-AAGTGAGTCACCAAAAAATGGAATTTATGTTTTGTGAACAGGATTGAAAAAATACTAAAA[G>GA]AAAAAATCATGGACTGGAGGCCACGCCATCTGACTCGGTGGAATAGGTATTGTACCTCTA-3'